The following is an entry in ClinVar:

NM_003000.3(SDHB):c.482A>G (p.Asp161Gly)

Gene: SDHB (succinate dehydrogenase complex iron sulfur subunit B; minus strand). Cytogenetic location: 1p36.13.
Variant type: single nucleotide variant.
Coding change: c.482A>G on transcript NM_003000.3 (MANE Select); coding-DNA position 482, A replaced by G.
Protein change: p.Asp161Gly; replaces aspartic acid 161 with glycine.
Molecular consequence: missense variant.
Genome position (GRCh38, 1-based): chr1:17,027,807, T>C on the plus strand (A>G on the coding strand, the complement: SDHB is on the minus strand). VCF-style: chr1-17027807-T-C. GRCh37 (hg19) VCF-style: chr1-17354302-T-C.
Other names: short protein forms D161G.
Identifiers: ClinVar variation 480839 (VCV000480839.20), dbSNP rs1049317868, ClinGen allele CA18665939.

ClinVar aggregate classification (germline): Uncertain significance. Review status: criteria provided, multiple submitters, no conflicts (2 of 4 stars). 6 submissions from 6 submitters: Uncertain significance (6). Last evaluated 2026-01-24.

Conditions:
Gastrointestinal stromal tumor. Also called: Gastrointestinal stroma tumor; Gastrointestinal stromal tumor, somatic. Identifiers: Orphanet 44890, MedGen C0238198, MeSH D046152, MONDO:0011719, OMIM 606764, HP:0100723.
Hereditary pheochromocytoma and paraganglioma. Also called: Hereditary Paraganglioma-Pheochromocytoma Syndromes; Hereditary paragangliomas and pheochromocytomas; Hereditary pheochromocytoma-paraganglioma. Identifiers: Orphanet 29072, MedGen C4274332, MONDO:0017366.
Hereditary cancer-predisposing syndrome. Also called: Tumor predisposition; Hereditary neoplastic syndrome; Neoplastic Syndromes, Hereditary; Hereditary Cancer Syndrome. Identifiers: Orphanet 140162, MedGen C0027672, MeSH D009386, MONDO:0015356.
Pheochromocytoma. Also called: MAX-Related Hereditary Paraganglioma-Pheochromocytoma Syndrome. Identifiers: Orphanet 29072, MedGen C0031511, MONDO:0008233, OMIM 171300, HP:0002666.
Pheochromocytoma/paraganglioma syndrome 4. Also called: SDHB-Related Hereditary Paraganglioma-Pheochromocytoma Syndrome (Paragangliomas 4); CAROTID BODY TUMORS AND MULTIPLE EXTRAADRENAL PHEOCHROMOCYTOMAS; PARAGANGLIOMA, FAMILIAL MALIGNANT; PARAGANGLIOMAS, HEREDITARY EXTRAADRENAL; SDHB-Related Hereditary Paraganglioma-Pheochromocytoma Syndrome; PHEOCHROMOCYTOMA, FAMILIAL EXTRAADRENAL. Identifiers: Orphanet 29072, MedGen C1861848, MONDO:0007273, OMIM 115310.

Allele frequency attached by ClinVar (database versions not stated): gnomAD 0.00001; gnomAD exomes 0.00001 and 0.00002; TOPMed 0.00002.

Submissions (6):

Labcorp Genetics (formerly Invitae), Labcorp
Classification: Uncertain significance for Gastrointestinal stromal tumor; Pheochromocytoma/paraganglioma syndrome 4; Pheochromocytoma. Last evaluated: 2026-01-24. Review status: criteria provided, single submitter. Criteria: Invitae Variant Classification Sherloc (09022015). Collection method: clinical testing. Allele origin: germline.
Comment: This sequence change replaces aspartic acid, which is acidic and polar, with glycine, which is neutral and non-polar, at codon 161 of the SDHB protein (p.Asp161Gly). This variant is present in population databases (no rsID available, gnomAD 0.002%). This variant has not been reported in the literature in individuals affected with SDHB-related conditions. ClinVar contains an entry for this variant (Variation ID: 480839). Invitae Evidence Modeling of protein sequence and biophysical properties (such as structural, functional, and spatial information, amino acid conservation, physicochemical variation, residue mobility, and thermodynamic stability) indicates that this missense variant is not expected to disrupt SDHB protein function with a negative predictive value of 80%. In summary, the available evidence is currently insufficient to determine the role of this variant in disease. Therefore, it has been classified as a Variant of Uncertain Significance.

Ambry Genetics
Classification: Uncertain significance for Hereditary cancer-predisposing syndrome. Last evaluated: 2025-09-24. Review status: criteria provided, single submitter. Criteria: Ambry Variant Classification Scheme 2023. Collection method: clinical testing. Allele origin: germline.

Color Diagnostics, LLC DBA Color Health
Classification: Uncertain significance for Hereditary pheochromocytoma and paraganglioma. Last evaluated: 2025-07-11. Review status: criteria provided, single submitter. Criteria: ACMG Guidelines, 2015. Collection method: clinical testing. Allele origin: germline.
Comment: This missense variant replaces aspartic acid with glycine at codon 161 of the SDHB protein. Computational prediction is inconclusive regarding the impact of this variant on protein structure and function. To our knowledge, functional studies have not been reported for this variant. This variant has not been reported in individuals affected with SDHB-related disorders in the literature. This variant has been identified in 2/251372 chromosomes in the general population by the Genome Aggregation Database (gnomAD). The available evidence is insufficient to determine the role of this variant in disease conclusively. Therefore, this variant is classified as a Variant of Uncertain Significance.

All of Us Research Program, National Institutes of Health
Classification: Uncertain significance for Hereditary pheochromocytoma and paraganglioma. Last evaluated: 2024-02-22. Review status: criteria provided, single submitter. Criteria: ACMG Guidelines, 2015. Collection method: clinical testing. Allele origin: germline. Inheritance: Autosomal dominant inheritance. Observed: 5 variant alleles, 5 heterozygotes.
Comment: This missense variant replaces aspartic acid with glycine at codon 161 of the SDHB protein. Computational prediction is inconclusive regarding the impact of this variant on protein structure and function (internally defined REVEL score threshold 0.5 < inconclusive < 0.7, PMID: 27666373). To our knowledge, functional studies have not been reported for this variant. This variant has not been reported in individuals affected with SDHB-related disorders in the literature. This variant has been identified in 2/251372 chromosomes in the general population by the Genome Aggregation Database (gnomAD). The available evidence is insufficient to determine the role of this variant in disease conclusively. Therefore, this variant is classified as a Variant of Uncertain Significance.

This study involves interpretation of variants in research participants for the purpose of population health screening. Participant phenotype was not available at the time of variant classification. Additional details can be found in publication PMID: 35346344, PMCID: PMC8962531

Baylor Genetics
Classification: Uncertain significance for Gastrointestinal stromal tumor. Last evaluated: 2023-10-19. Review status: criteria provided, single submitter. Criteria: ACMG Guidelines, 2015. Collection method: clinical testing. Allele origin: unknown.

Women's Health and Genetics/Laboratory Corporation of America, LabCorp
Classification: Uncertain significance. Last evaluated: 2019-06-28. Review status: criteria provided, single submitter. Criteria: LabCorp Variant Classification Summary - May 2015. Collection method: clinical testing. Allele origin: germline.
Comment: Variant summary: SDHB c.482A>G (p.Asp161Gly) results in a non-conservative amino acid change in the encoded protein sequence. Three of five in-silico tools predict a damaging effect of the variant on protein function. The variant allele was found at a frequency of 8e-06 in 251372 control chromosomes (gnomAD). The available data on variant occurrences in the general population are insufficient to allow any conclusion about variant significance. c.482A>G has been reported in the literature as a somatic occurrence in an individual affected with a gastrointestinal stromal tumor (GIST) (Shi_2016). This report does not provide unequivocal conclusions about association of the variant with Hereditary Paraganglioma-Pheochromocytoma Syndrome. To our knowledge, no experimental evidence demonstrating an impact on protein function has been reported. A ClinVar submission (evaluation after 2014) cites the variant as uncertain significance. Based on the evidence outlined above, the variant was classified as uncertain significance.

Literature cited by the submitters: PubMed 27974047 (cited by Women's Health and Genetics/Laboratory Corporation of America, LabCorp).